The following is an entry in ClinVar:

ClinVar aggregate classification (germline): Uncertain significance. Review status: criteria provided, multiple submitters, no conflicts (2 of 4 stars). 4 submissions from 4 submitters: Uncertain significance (4). Last evaluated 2025-11-05.

Conditions:
Hereditary cancer-predisposing syndrome. Also called: Hereditary neoplastic syndrome; Tumor predisposition; Neoplastic Syndromes, Hereditary; Hereditary Cancer Syndrome. Identifiers: Orphanet 140162, MedGen C0027672, MeSH D009386, MONDO:0015356.
Fanconi anemia complementation group J. Also called: BRIP1-Related Fanconi Anemia. Identifiers: Orphanet 84, MedGen C1836860, MONDO:0012187, OMIM 609054.
Familial cancer of breast. Also called: hereditary breast carcinoma; BREAST CANCER, FAMILIAL; Hereditary breast cancer. Identifiers: Orphanet 227535, MedGen C0346153, MONDO:0016419, OMIM 114480. Disease mechanism: loss of function.

Allele frequency attached by ClinVar (database versions not stated): gnomAD exomes below 0.00001.
gnomAD v4.1: 1 of 1,613,738 alleles (0.000062%); highest among the groups gnomAD compares: Non-Finnish European, 0.000085%; no homozygotes.

Submissions (4):

Labcorp Genetics (formerly Invitae), Labcorp
Classification: Uncertain significance for Familial cancer of breast; Fanconi anemia complementation group J. Last evaluated: 2025-11-05. Review status: criteria provided, single submitter. Criteria: Invitae Variant Classification Sherloc (09022015). Collection method: clinical testing. Allele origin: germline.
Comment: This sequence change replaces methionine, which is neutral and non-polar, with threonine, which is neutral and polar, at codon 299 of the BRIP1 protein (p.Met299Thr). This variant is not present in population databases (gnomAD no frequency). This variant has not been reported in the literature in individuals affected with BRIP1-related conditions. ClinVar contains an entry for this variant (Variation ID: 861309). Invitae Evidence Modeling of protein sequence and biophysical properties (such as structural, functional, and spatial information, amino acid conservation, physicochemical variation, residue mobility, and thermodynamic stability) has been performed for this missense variant. However, the output from this modeling did not meet the statistical confidence thresholds required to predict the impact of this variant on BRIP1 protein function. In summary, the available evidence is currently insufficient to determine the role of this variant in disease. Therefore, it has been classified as a Variant of Uncertain Significance.

Color Diagnostics, LLC DBA Color Health
Classification: Uncertain significance for Hereditary cancer-predisposing syndrome. Last evaluated: 2025-10-12. Review status: criteria provided, single submitter. Criteria: ACMG Guidelines, 2015. Collection method: clinical testing. Allele origin: germline.
Comment: This missense variant replaces methionine with threonine at codon 299 of the BRIP1 protein. Computational prediction suggests that this variant may not impact protein structure and function. To our knowledge, functional studies have not been reported for this variant. This variant has not been reported in individuals affected with BRIP1-related disorders in the literature. This variant has not been identified in the general population by the Genome Aggregation Database (gnomAD). The available evidence is insufficient to determine the role of this variant in disease conclusively. Therefore, this variant is classified as a Variant of Uncertain Significance.

Ambry Genetics
Classification: Uncertain significance for Hereditary cancer-predisposing syndrome. Last evaluated: 2025-06-06. Review status: criteria provided, single submitter. Criteria: Ambry Variant Classification Scheme 2023. Collection method: clinical testing. Allele origin: germline.
Comment: The p.M299T variant (also known as c.896T>C), located in coding exon 6 of the BRIP1 gene, results from a T to C substitution at nucleotide position 896. The methionine at codon 299 is replaced by threonine, an amino acid with similar properties. This amino acid position is not well conserved in available vertebrate species. In addition, this alteration is predicted to be tolerated by in silico analysis. Since supporting evidence is limited at this time, the clinical significance of this alteration remains unclear.

Quest Diagnostics Nichols Institute San Juan Capistrano
Classification: Uncertain significance. Last evaluated: 2025-02-21. Review status: criteria provided, single submitter. Criteria: Quest Diagnostics criteria. Collection method: clinical testing. Allele origin: unknown.
Comment: The BRIP1 c.896T>C (p.Met299Thr) variant has not been reported in individuals with BRIP1-related conditions in the published literature. It also has not been reported in large, multi-ethnic general populations (Genome Aggregation Database). Analysis of this variant using bioinformatics tools for the prediction of the effect of amino acid changes on protein structure and function yielded conflicting predictions that this variant is benign or damaging. Based on the available information, we are unable to determine the clinical significance of this variant.

NM_032043.3(BRIP1):c.896T>C (p.Met299Thr)

Gene: BRIP1 (BRCA1 interacting DNA helicase 1; minus strand). Cytogenetic location: 17q23.2.
Variant type: single nucleotide variant.
Coding change: c.896T>C on transcript NM_032043.3 (MANE Select); coding-DNA position 896, T replaced by C.
Protein change: p.Met299Thr; replaces methionine 299 with threonine.
Molecular consequence: missense variant.
Genome position (GRCh38, 1-based): chr17:61,808,489, A>G on the plus strand (T>C on the coding strand, the complement: BRIP1 is on the minus strand). VCF-style: chr17-61808489-A-G. GRCh37 (hg19) VCF-style: chr17-59885850-A-G.
Other names: short protein forms M299T.
Identifiers: ClinVar variation 861309 (VCV000861309.15), dbSNP rs2078106961, ClinGen allele CA400484681.